The following is an entry in ClinVar:

ClinVar aggregate classification (germline): Pathogenic (1 of 4 stars; one submission).

gnomAD v4.1: 24 of 1,572,944 alleles (0.0015%); highest among the groups gnomAD compares: East Asian, 0.019%; no homozygotes.

Submission:

Labcorp Genetics (formerly Invitae), Labcorp
Classification: Pathogenic. Last evaluated: 2024-03-30. Review status: criteria provided, single submitter. Criteria: Invitae Variant Classification Sherloc (09022015). Collection method: clinical testing. Allele origin: germline.
Comment: This sequence change creates a premature translational stop signal (p.Arg922*) in the CEP135 gene. It is expected to result in an absent or disrupted protein product. Loss-of-function variants in CEP135 are known to be pathogenic (PMID: 22521416, 26657937). The frequency data for this variant in the population databases is considered unreliable, as metrics indicate poor data quality at this position in the gnomAD database. This variant has not been reported in the literature in individuals affected with CEP135-related conditions. For these reasons, this variant has been classified as Pathogenic.

Literature cited by the submitters: PubMed 22521416; PubMed 26657937.

NM_025009.5(CEP135):c.2764C>T (p.Arg922Ter)

Gene: CEP135 (centrosomal protein 135; plus strand). Cytogenetic location: 4q12.
Variant type: single nucleotide variant.
Coding change: c.2764C>T on transcript NM_025009.5 (MANE Select); coding-DNA position 2764, C replaced by T.
Protein change: p.Arg922Ter; replaces arginine 922 with a stop codon.
Molecular consequence: nonsense.
Genome position (GRCh38, 1-based): chr4:56,011,947, C>T. VCF-style: chr4-56011947-C-T. GRCh37 (hg19) VCF-style: chr4-56878113-C-T.
Other names: short protein forms R922*.
Identifiers: ClinVar variation 3613095 (VCV003613095.2).